The following is an entry in ClinVar:

ClinVar aggregate classification (germline): Conflicting classifications of pathogenicity. Review status: criteria provided, conflicting classifications (1 of 4 stars). 3 submissions from 3 submitters: Uncertain significance (1); Benign (1); Likely benign (1). Last evaluated 2025-01-29.

Conditions:
Inborn genetic diseases. Identifiers: MedGen C0950123, MeSH D030342.

Allele frequency attached by ClinVar (database versions not stated): gnomAD exomes 0.00002 and 0.00008; ExAC 0.00010; gnomAD 0.00026 and 0.00028; TOPMed 0.00029; ESP Exome Variant Server 0.00047.
gnomAD v4.1: 45 of 1,208,874 alleles (0.0037%); highest among the groups gnomAD compares: African/African-American, 0.077%; no homozygotes.

Submissions (3):

Ambry Genetics
Classification: Uncertain significance for Inborn genetic diseases. Last evaluated: 2025-01-29. Review status: criteria provided, single submitter. Criteria: Ambry Variant Classification Scheme 2023. Collection method: clinical testing. Allele origin: germline.

Labcorp Genetics (formerly Invitae), Labcorp
Classification: Benign. Last evaluated: 2023-05-23. Review status: criteria provided, single submitter. Criteria: Invitae Variant Classification Sherloc (09022015). Collection method: clinical testing. Allele origin: germline.

GeneDx
Classification: Likely benign. Last evaluated: 2016-12-20. Review status: criteria provided, single submitter. Criteria: GeneDx Variant Classification (06012015). Collection method: clinical testing. Allele origin: germline. Affected: yes.
Comment: This variant is considered likely benign or benign based on one or more of the following criteria: it is a conservative change, it occurs at a poorly conserved position in the protein, it is predicted to be benign by multiple in silico algorithms, and/or has population frequency not consistent with disease.

NM_001271696.3(ABCB7):c.1637G>A (p.Arg546Lys)

Gene: ABCB7 (ATP binding cassette subfamily B member 7; minus strand). Cytogenetic location: Xq13.3.
Variant type: single nucleotide variant.
Coding change: c.1637G>A on transcript NM_001271696.3 (MANE Select); coding-DNA position 1637, G replaced by A.
Protein change: p.Arg546Lys; replaces arginine 546 with lysine.
Molecular consequence: missense variant.
Genome position (GRCh38, 1-based): chrX:75,069,029, C>T on the plus strand (G>A on the coding strand, the complement: ABCB7 is on the minus strand). VCF-style: chrX-75069029-C-T. GRCh37 (hg19) VCF-style: chrX-74288864-C-T.
Other names: c.1517G>A, p.Arg506Lys (NM_001271697.3); c.1559G>A, p.Arg520Lys (NM_001271698.3); c.1520G>A, p.Arg507Lys (NM_001271699.3); c.1640G>A, p.Arg547Lys (NM_004299.6); short protein forms R547K, R546K, R506K, R507K, R520K.
Identifiers: ClinVar variation 391423 (VCV000391423.5), dbSNP rs143070182, ClinGen allele CA10455375.